The following is an entry in ClinVar:

NM_001267550.2(TTN):c.94648G>A (p.Glu31550Lys)

Genes: TTN (titin; minus strand), TTN-AS1 (TTN antisense RNA 1; plus strand). Cytogenetic location: 2q31.2.
Variant type: single nucleotide variant.
Coding change: c.94648G>A on transcript NM_001267550.2 (MANE Select); coding-DNA position 94648, G replaced by A.
Protein change: p.Glu31550Lys; replaces glutamic acid 31550 with lysine.
Molecular consequence: missense variant.
Genome position (GRCh38, 1-based): chr2:178,546,780, C>T on the plus strand (G>A on the coding strand, the complement: TTN is on the minus strand). VCF-style: chr2-178546780-C-T. GRCh37 (hg19) VCF-style: chr2-179411507-C-T.
Other names: c.89725G>A, p.Glu29909Lys (NM_001256850.1); c.67453G>A, p.Glu22485Lys (NM_003319.4); c.86944G>A, p.Glu28982Lys (NM_133378.4); c.67828G>A, p.Glu22610Lys (NM_133432.3); c.68029G>A, p.Glu22677Lys (NM_133437.4); short protein forms E22485K, E22610K, E22677K, E28982K, E29909K, E31550K.
Identifiers: ClinVar variation 2672183 (VCV002672183.1), dbSNP rs2469066455, ClinGen allele CA349471651.

ClinVar aggregate classification (germline): Uncertain significance (1 of 4 stars; one submission).

Conditions:
Primary dilated cardiomyopathy (DCM). Also called: Dilated Cardiomyopathy. Identifiers: Orphanet 217604, MedGen C0007193, MeSH D002311, MONDO:0005021, HP:0001644. Inheritance: Various modes of inheritance.

Submission:

Clinical Genomics Laboratory, Washington University in St. Louis
Classification: Uncertain significance for Dilated cardiomyopathy. Last evaluated: 2023-07-26. Review status: criteria provided, single submitter. Criteria: ACMG Guidelines, 2015. Collection method: clinical testing. Allele origin: germline.
Comment: A homozygous TTN c.94648G>A (p.Glu31550Lys) missense variant was identified. This variant, to our knowledge, has not been reported in the medical literature and it is absent from the general population (gnomAD v.2.1.1), indicating it is not a common variant. Due to limited information, and based on ACMG/AMP guidelines for variant interpretation (Richards S et al., PMID: 25741868), the clinical significance of this variant is uncertain at this time.